The following is an entry in ClinVar:

ClinVar aggregate classification (germline): Pathogenic. Review status: criteria provided, multiple submitters, no conflicts (2 of 4 stars). 8 submissions from 8 submitters: Pathogenic (7). 1 of the submissions does not count toward it. Last evaluated 2025-11-12.

Conditions:
Methylmalonic aciduria due to complete methylmalonyl-CoA mutase deficiency.
Methylmalonic acidemia (MMA). Also called: Isolated Methylmalonic Acidemia. Identifiers: MedGen C0268583, MeSH C537358, MONDO:0002012, HP:0002912.
Methylmalonic aciduria due to methylmalonyl-CoA mutase deficiency (MAMM). Also called: Methylmalonic aciduria, mut type. Identifiers: Orphanet 27, MedGen C1855114, MONDO:0009612, OMIM 251000.

Allele frequency attached by ClinVar (database versions not stated): gnomAD exomes below 0.00001; TOPMed 0.00001; gnomAD 0.00002.
gnomAD v4.1: 9 of 1,611,756 alleles (0.00056%); highest among the groups gnomAD compares: Middle Eastern, 0.016%; no homozygotes.

Submissions (8):

Ambry Genetics
Classification: Pathogenic. Last evaluated: 2025-11-12. Review status: criteria provided, single submitter. Criteria: Ambry Variant Classification Scheme 2023. Collection method: clinical testing. Allele origin: germline.
Comment: The c.1741C>T (p.R581*) alteration, located in exon 10 (coding exon 9) of the MUT gene, consists of a C to T substitution at nucleotide position 1741. This changes the amino acid from a arginine (R) to a stop codon at amino acid position 581. This alteration is expected to result in loss of function by premature protein truncation or nonsense-mediated mRNA decay. This variant was not reported in population-based cohorts in the Genome Aggregation Database (gnomAD). This variant has been identified in the homozygous state and/or in conjunction with other MMUT variant(s) in individual(s) with features consistent with MMUT-related methylmalonic aciduria (Worgan, 2006; Chu, 2016; Harrington, 2016; Ling, 2024). Based on the available evidence, this alteration is classified as pathogenic.

Natera, Inc.
Classification: Pathogenic for Methylmalonic aciduria due to complete methylmalonyl-CoA mutase deficiency. Last evaluated: 2025-04-02. Review status: criteria provided, single submitter. Criteria: Natera Variant Classification Schema (03/2026). Collection method: clinical testing. Allele origin: germline.
Comment: The c.1741C>T variant in MMUT is a nonsense variant predicted to introduce a stop codon at amino acid 581. This variant is expected to result in nonsense mediated decay, truncation, or a dysfunctional protein product. This variant is rare in the general population with a frequency below the threshold expected for the associated phenotype(s). This variant has been observed in one or more individuals affected with the associated recessive disease, as either homozygous or compound heterozygous with a second variant (PMID: 26790480, 27233228). Given the available evidence, this variant is classified as Pathogenic.

Labcorp Genetics (formerly Invitae), Labcorp
Classification: Pathogenic. Last evaluated: 2024-12-23. Review status: criteria provided, single submitter. Criteria: Invitae Variant Classification Sherloc (09022015). Collection method: clinical testing. Allele origin: germline.
Comment: This sequence change creates a premature translational stop signal (p.Arg581*) in the MUT gene. It is expected to result in an absent or disrupted protein product. Loss-of-function variants in MUT are known to be pathogenic (PMID: 15781192). This variant is not present in population databases (gnomAD no frequency). This premature translational stop signal has been observed in individual(s) with methylmalonic aciduria (PMID: 16281286). ClinVar contains an entry for this variant (Variation ID: 554675). For these reasons, this variant has been classified as Pathogenic.

CeGaT Center for Human Genetics Tuebingen
Classification: Pathogenic. Last evaluated: 2022-10-01. Review status: criteria provided, single submitter. Criteria: CeGaT Center For Human Genetics Tuebingen Variant Classification Criteria Version 2. Collection method: clinical testing. Allele origin: germline. Affected: yes. Observed: 2 variant alleles.
Comment: MMUT: PVS1, PM2, PS4:Supporting

Revvity Omics, Revvity
Classification: Pathogenic for Methylmalonic aciduria due to methylmalonyl-CoA mutase deficiency. Last evaluated: 2021-06-17. Review status: criteria provided, single submitter. Criteria: ACMG Guidelines, 2015. Collection method: clinical testing. Allele origin: germline.

Women's Health and Genetics/Laboratory Corporation of America, LabCorp
Classification: Pathogenic for Methylmalonic acidemia. Last evaluated: 2019-10-10. Review status: criteria provided, single submitter. Criteria: LabCorp Variant Classification Summary - May 2015. Collection method: clinical testing. Allele origin: germline.
Comment: Variant summary: MUT c.1741C>T (p.Arg581X) results in a premature termination codon, predicted to cause a truncation of the encoded protein or absence of the protein due to nonsense mediated decay, which are commonly known mechanisms for disease. Truncations downstream of this position have been classified as pathogenic by our laboratory. The variant was absent in 251212 control chromosomes. c.1741C>T has been reported in the literature in multiple individuals affected with Methylmalonic Acidemia in the homozygous and compound heterozygous state (Chu_2016, Harrington_2016, Liu_2012, Worgan_2006). These data indicate that the variant is very likely to be associated with disease. One clinical diagnostic laboratory has submitted clinical-significance assessments for this variant to ClinVar after 2014 without evidence for independent evaluation. One laboratory classified the variant as pathogenic. Based on the evidence outlined above, the variant was classified as pathogenic.

Juno Genomics, Hangzhou Juno Genomics, Inc
Classification: Pathogenic for Methylmalonic aciduria due to methylmalonyl-CoA mutase deficiency. Review status: criteria provided, single submitter. Criteria: ACMG Guidelines, 2015. Collection method: clinical testing. Allele origin: germline.
Comment: Absent from controls (or at extremely low frequency if recessive) in Genome Aggregation Database.;Null variant in a gene where loss of function (LOF) is a known mechanism of disease.;For recessive disorders, detected in trans with a pathogenic variant.;Patient's phenotype or family history is highly specific for a disease with a single genetic etiology.

Counsyl
Classification: Pathogenic for Methylmalonic aciduria due to methylmalonyl-CoA mutase deficiency. Last evaluated: 2017-10-31. Review status: no assertion criteria provided. Collection method: clinical testing. Allele origin: unknown. Not counted in ClinVar's aggregate classification.

Literature cited by the submitters: PubMed 16281286 (cited by 4 submitters); PubMed 26790480 (cited by 3 submitters); PubMed 27233228 (cited by 3 submitters); PubMed 34668645 (cited by Ambry Genetics); PubMed 39075538 (cited by Ambry Genetics); PubMed 15781192 (cited by Labcorp Genetics (formerly Invitae), Labcorp); PubMed 23430940 (cited by Women's Health and Genetics/Laboratory Corporation of America, LabCorp).

NM_000255.4(MMUT):c.1741C>T (p.Arg581Ter)

Gene: MMUT (methylmalonyl-CoA mutase; minus strand). Cytogenetic location: 6p12.3.
Variant type: single nucleotide variant.
Coding change: c.1741C>T on transcript NM_000255.4 (MANE Select); coding-DNA position 1741, C replaced by T.
Protein change: p.Arg581Ter; replaces arginine 581 with a stop codon.
Molecular consequence: nonsense.
Genome position (GRCh38, 1-based): chr6:49,441,907, G>A on the plus strand (C>T on the coding strand, the complement: MMUT is on the minus strand). VCF-style: chr6-49441907-G-A. GRCh37 (hg19) VCF-style: chr6-49409620-G-A.
Other names: short protein forms R581*.
Identifiers: ClinVar variation 554675 (VCV000554675.54), dbSNP rs1238694184, ClinGen allele CA364395893.